The following is an entry in ClinVar:

NM_005732.4(RAD50):c.1193A>G (p.Lys398Arg)

Gene: RAD50 (RAD50 double strand break repair protein; plus strand). Cytogenetic location: 5q31.1.
Variant type: single nucleotide variant.
Coding change: c.1193A>G on transcript NM_005732.4 (MANE Select); coding-DNA position 1193, A replaced by G.
Protein change: p.Lys398Arg; replaces lysine 398 with arginine.
Molecular consequence: missense variant.
Genome position (GRCh38, 1-based): chr5:132,588,828, A>G. VCF-style: chr5-132588828-A-G. GRCh37 (hg19) VCF-style: chr5-131924520-A-G.
Other names: short protein forms K398R.
Identifiers: ClinVar variation 231413 (VCV000231413.15), dbSNP rs876659144, ClinGen allele CA10578518.
Genomic context (GRCh38, chr5:132,588,828, plus strand): 5'-TAGAATTGGATGGCTTTGAGCGTGGACCATTCAGTGAAAGACAGATTAAAAATTTTCACA[A>G]ACTTGTGAGAGAGAGACAAGAAGGGGAAGCAAAAACTGCCAACCAACTGATGGCAAGTAT-3'
Protein context (NP_005723.2, residues 388-408): FSERQIKNFH[Lys398Arg]LVRERQEGEA

ClinVar aggregate classification (germline): Conflicting classifications of pathogenicity. Review status: criteria provided, conflicting classifications (1 of 4 stars). 3 submissions from 3 submitters: Uncertain significance (2); Likely benign (1). Last evaluated 2025-03-04.

Conditions:
Hereditary cancer-predisposing syndrome. Also called: Neoplastic Syndromes, Hereditary; Tumor predisposition; Hereditary Cancer Syndrome; Hereditary neoplastic syndrome. Identifiers: Orphanet 140162, MedGen C0027672, MeSH D009386, MONDO:0015356.

Allele frequency attached by ClinVar (database versions not stated): gnomAD exomes below 0.00001.
gnomAD v4.1: 5 of 1,614,102 alleles (0.00031%); highest among the groups gnomAD compares: Non-Finnish European, 0.00042%; no homozygotes.

Submissions (3):

Center for Genomic Medicine, Rigshospitalet, Copenhagen University Hospital
Classification: Uncertain significance. Last evaluated: 2025-03-04. Review status: criteria provided, single submitter. Criteria: ACMG Guidelines, 2015. Collection method: clinical testing. Allele origin: germline.

Labcorp Genetics (formerly Invitae), Labcorp
Classification: Uncertain significance for Hereditary cancer-predisposing syndrome. Last evaluated: 2024-08-05. Review status: criteria provided, single submitter. Criteria: Invitae Variant Classification Sherloc (09022015). Collection method: clinical testing. Allele origin: germline.
Comment: This sequence change replaces lysine, which is basic and polar, with arginine, which is basic and polar, at codon 398 of the RAD50 protein (p.Lys398Arg). This variant is not present in population databases (gnomAD no frequency). This variant has not been reported in the literature in individuals affected with RAD50-related conditions. ClinVar contains an entry for this variant (Variation ID: 231413). Advanced modeling of protein sequence and biophysical properties (such as structural, functional, and spatial information, amino acid conservation, physicochemical variation, residue mobility, and thermodynamic stability) performed at Invitae indicates that this missense variant is not expected to disrupt RAD50 protein function with a negative predictive value of 80%. RNA analysis performed to evaluate the impact of this missense change on mRNA splicing indicates it does not significantly alter splicing (Invitae). In summary, the available evidence is currently insufficient to determine the role of this variant in disease. Therefore, it has been classified as a Variant of Uncertain Significance.

Ambry Genetics
Classification: Likely benign for Hereditary cancer-predisposing syndrome. Last evaluated: 2024-03-28. Review status: criteria provided, single submitter. Criteria: Ambry Variant Classification Scheme 2023. Collection method: clinical testing. Allele origin: germline.

Literature cited by the submitters: PubMed 16474176 (cited by Center for Genomic Medicine, Rigshospitalet, Copenhagen University Hospital); PubMed 24894818 (cited by Center for Genomic Medicine, Rigshospitalet, Copenhagen University Hospital).